The following is an entry in ClinVar:

NM_002439.5(MSH3):c.1253T>A (p.Met418Lys)

Gene: MSH3 (mutS homolog 3; plus strand). Cytogenetic location: 5q14.1.
Variant type: single nucleotide variant.
Coding change: c.1253T>A on transcript NM_002439.5 (MANE Select); coding-DNA position 1253, T replaced by A.
Protein change: p.Met418Lys; replaces methionine 418 with lysine.
Molecular consequence: missense variant.
Genome position (GRCh38, 1-based): chr5:80,679,006, T>A. VCF-style: chr5-80679006-T-A. GRCh37 (hg19) VCF-style: chr5-79974825-T-A.
Other names: c.1253T>A (NM_002439.3); short protein forms M418K.
Identifiers: ClinVar variation 1513250 (VCV001513250.9), dbSNP rs1749904681, ClinGen allele CA360268978.
Genomic context (GRCh38, chr5:80,679,006, plus strand): 5'-GCGAGGTTGTGTTTGATAGTTTCCAGGACTCTGCTTCTCGTTCAGAGCTAGAAACCCGGA[T>A]GTCAAGCCTGCAGCCAGTAGAGCTGCTGCTTCCTTCGGCCTTGTCCGAGCAAACAGAGGC-3'
Protein context (NP_002430.3, residues 408-428): SASRSELETR[Met418Lys]SSLQPVELLL

ClinVar aggregate classification (germline): Uncertain significance. Review status: criteria provided, multiple submitters, no conflicts (2 of 4 stars). 2 submissions from 2 submitters: Uncertain significance (2). Last evaluated 2026-07-04.

Conditions:
Hereditary cancer-predisposing syndrome. Also called: Hereditary Cancer Syndrome; Tumor predisposition; Neoplastic Syndromes, Hereditary; Hereditary neoplastic syndrome. Identifiers: Orphanet 140162, MedGen C0027672, MeSH D009386, MONDO:0015356.

Submissions (2):

Ambry Genetics
Classification: Uncertain significance for Hereditary cancer-predisposing syndrome. Last evaluated: 2026-07-04. Review status: criteria provided, single submitter. Criteria: Ambry Variant Classification Scheme 2023. Collection method: clinical testing. Allele origin: germline.
Comment: The p.M418K variant (also known as c.1253T>A), located in coding exon 8 of the MSH3 gene, results from a T to A substitution at nucleotide position 1253. The methionine at codon 418 is replaced by lysine, an amino acid with similar properties. This amino acid position is conserved. In addition, the in silico prediction for this alteration is inconclusive. Based on the available evidence, the clinical significance of this variant remains unclear.

Labcorp Genetics (formerly Invitae), Labcorp
Classification: Uncertain significance. Last evaluated: 2023-06-14. Review status: criteria provided, single submitter. Criteria: Invitae Variant Classification Sherloc (09022015). Collection method: clinical testing. Allele origin: germline.
Comment: ClinVar contains an entry for this variant (Variation ID: 1513250). In summary, the available evidence is currently insufficient to determine the role of this variant in disease. Therefore, it has been classified as a Variant of Uncertain Significance. An algorithm developed to predict the effect of missense changes on protein structure and function (PolyPhen-2) suggests that this variant is likely to be tolerated. This variant has not been reported in the literature in individuals affected with MSH3-related conditions. This variant is not present in population databases (gnomAD no frequency). This sequence change replaces methionine, which is neutral and non-polar, with lysine, which is basic and polar, at codon 418 of the MSH3 protein (p.Met418Lys).